The following is an entry in ClinVar:

ClinVar aggregate classification (germline): Uncertain significance (1 of 4 stars; one submission).

Conditions:
Spastic paraplegia. Identifiers: MedGen C0037772, HP:0001258.

Submission:

Labcorp Genetics (formerly Invitae), Labcorp
Classification: Uncertain significance for Spastic paraplegia. Last evaluated: 2025-12-03. Review status: criteria provided, single submitter. Criteria: Invitae Variant Classification Sherloc (09022015). Collection method: clinical testing. Allele origin: germline.
Comment: This sequence change replaces asparagine, which is neutral and polar, with threonine, which is neutral and polar, at codon 402 of the KIF5A protein (p.Asn402Thr). This variant is not present in population databases (gnomAD no frequency). This variant has not been reported in the literature in individuals affected with KIF5A-related conditions. Invitae Evidence Modeling of protein sequence and biophysical properties (such as structural, functional, and spatial information, amino acid conservation, physicochemical variation, residue mobility, and thermodynamic stability) indicates that this missense variant is not expected to disrupt KIF5A protein function with a negative predictive value of 95%. In summary, the available evidence is currently insufficient to determine the role of this variant in disease. Therefore, it has been classified as a Variant of Uncertain Significance.

NM_004984.4(KIF5A):c.1205A>C (p.Asn402Thr)

Gene: KIF5A (kinesin family member 5A; plus strand). Cytogenetic location: 12q13.3.
Variant type: single nucleotide variant.
Coding change: c.1205A>C on transcript NM_004984.4 (MANE Select); coding-DNA position 1205, A replaced by C.
Protein change: p.Asn402Thr; replaces asparagine 402 with threonine.
Molecular consequence: missense variant.
Genome position (GRCh38, 1-based): chr12:57,570,074, A>C. VCF-style: chr12-57570074-A-C. GRCh37 (hg19) VCF-style: chr12-57963857-A-C.
Other names: c.938A>C, p.Asn313Thr (NM_001354705.2); short protein forms N313T, N402T.
Identifiers: ClinVar variation 4808599 (VCV004808599.1).